The following is an entry in ClinVar:

ClinVar aggregate classification (germline): Uncertain significance (1 of 4 stars; one submission).

gnomAD v4.1: 1 of 1,614,176 alleles (0.000062%); highest among the groups gnomAD compares: Non-Finnish European, 0.000085%; no homozygotes.

Submission:

Dasa
Classification: Uncertain significance. Last evaluated: 2025-01-11. Review status: criteria provided, single submitter. Criteria: DASA Assertion Criteria. Collection method: clinical testing. Allele origin: germline.
Comment: NM_172201.2(KCNE2):c.115G>A (p.Ala39Thr) is a missense variant that results in the substitution of alanine with threonine. This variant is rare in population databases. Computational prediction algorithms are consistent with a benign effect. The currently available literature and clinical evidence are not sufficient to establish a definitive association between this variant and the reported condition. Therefore, this variant is classified as a variant of uncertain significance.

NM_172201.2(KCNE2):c.115G>A (p.Ala39Thr)

Genes: KCNE2 (potassium voltage-gated channel subfamily E regulatory subunit 2; plus strand), LOC105372791 (uncharacterized LOC105372791; minus strand). Cytogenetic location: 21q22.11.
Variant type: single nucleotide variant.
Coding change: c.115G>A on transcript NM_172201.2 (MANE Select); coding-DNA position 115, G replaced by A.
Protein change: p.Ala39Thr; replaces alanine 39 with threonine.
Molecular consequence: missense variant. On other transcripts: non-coding transcript variant (2).
Genome position (GRCh38, 1-based): chr21:34,370,593, G>A. VCF-style: chr21-34370593-G-A. GRCh37 (hg19) VCF-style: chr21-35742892-G-A.
Other names: short protein forms A39T.
Identifiers: ClinVar variation 4883749 (VCV004883749.2).
Genomic context (GRCh38, chr21:34,370,593, plus strand): 5'-TTTATTACTTATATGGACAATTGGCGCCAGAACACAACAGCTGAGCAAGAGGCCCTCCAA[G>A]CCAAAGTTGATGCTGAGAACTTCTACTATGTCATCCTGTACCTCATGGTGATGATTGGAA-3'
Protein context (NP_751951.1, residues 29-49): NTTAEQEALQ[Ala39Thr]KVDAENFYYV